The following is an entry in ClinVar:

ClinVar aggregate classification (germline): Pathogenic (1 of 4 stars; one submission).

Submission:

CeGaT Center for Human Genetics Tuebingen
Classification: Pathogenic. Last evaluated: 2025-08-01. Review status: criteria provided, single submitter. Criteria: CeGaT Center For Human Genetics Tuebingen Variant Classification Criteria Version 2. Collection method: clinical testing. Allele origin: germline. Affected: yes. Observed: 1 variant allele.
Comment: TBL1XR1: PVS1, PM2

NM_024665.7(TBL1XR1):c.1251-1G>A

Gene: TBL1XR1 (TBL1X/Y related 1; minus strand). Cytogenetic location: 3q26.32.
Variant type: single nucleotide variant.
Coding change: c.1251-1G>A on transcript NM_024665.7 (MANE Select); the canonical splice acceptor site of the intron before coding-DNA position 1251, G replaced by A.
Molecular consequence: splice acceptor variant.
Genome position (GRCh38, 1-based): chr3:177,033,137, C>T on the plus strand (G>A on the coding strand, the complement: TBL1XR1 is on the minus strand). VCF-style: chr3-177033137-C-T. GRCh37 (hg19) VCF-style: chr3-176750925-C-T.
Other names: c.1251-1G>A (NM_001374327.1, NM_001321194.3, NM_001321193.3 and 2 more transcripts); c.990-1G>A (NM_001374330.1, NM_001321195.3).
Identifiers: ClinVar variation 4085931 (VCV004085931.8).